The following is an entry in ClinVar:

ClinVar aggregate classification (germline): Uncertain significance (1 of 4 stars; one submission).

Allele frequency attached by ClinVar (database versions not stated): ExAC 0.00001; gnomAD 0.00001; gnomAD exomes 0.00001.

Submission:

Labcorp Genetics (formerly Invitae), Labcorp
Classification: Uncertain significance. Last evaluated: 2025-07-24. Review status: criteria provided, single submitter. Criteria: Invitae Variant Classification Sherloc (09022015). Collection method: clinical testing. Allele origin: germline.
Comment: This sequence change replaces glutamic acid, which is acidic and polar, with lysine, which is basic and polar, at codon 129 of the LRRC10 protein (p.Glu129Lys). This variant is present in population databases (rs762144273, gnomAD 0.003%). This missense change has been observed in individual(s) with sudden unexplained nocturnal death (PMID: 28032242). ClinVar contains an entry for this variant (Variation ID: 2735912). An algorithm developed to predict the effect of missense changes on protein structure and function (PolyPhen-2) suggests that this variant is likely to be disruptive. In summary, the available evidence is currently insufficient to determine the role of this variant in disease. Therefore, it has been classified as a Variant of Uncertain Significance.

Literature cited by the submitters: PubMed 28032242.

NM_201550.4(LRRC10):c.385G>A (p.Glu129Lys)

Gene: LRRC10 (leucine rich repeat containing 10; minus strand). Cytogenetic location: 12q15.
Variant type: single nucleotide variant.
Coding change: c.385G>A on transcript NM_201550.4 (MANE Select); coding-DNA position 385, G replaced by A.
Protein change: p.Glu129Lys; replaces glutamic acid 129 with lysine.
Molecular consequence: missense variant.
Genome position (GRCh38, 1-based): chr12:69,610,454, C>T on the plus strand (G>A on the coding strand, the complement: LRRC10 is on the minus strand). VCF-style: chr12-69610454-C-T. GRCh37 (hg19) VCF-style: chr12-70004234-C-T.
Other names: short protein forms E129K.
Identifiers: ClinVar variation 2735912 (VCV002735912.3), dbSNP rs762144273, ClinGen allele CA6681077.